The following is an entry in ClinVar:

NM_170606.3(KMT2C):c.4177C>A (p.Leu1393Ile)

Gene: KMT2C (lysine methyltransferase 2C; minus strand). Cytogenetic location: 7q36.1.
Variant type: single nucleotide variant.
Coding change: c.4177C>A on transcript NM_170606.3 (MANE Select); coding-DNA position 4177, C replaced by A.
Protein change: p.Leu1393Ile; replaces leucine 1393 with isoleucine.
Molecular consequence: missense variant.
Genome position (GRCh38, 1-based): chr7:152,199,375, G>T on the plus strand (C>A on the coding strand, the complement: KMT2C is on the minus strand). VCF-style: chr7-152199375-G-T. GRCh37 (hg19) VCF-style: chr7-151896460-G-T.
Other names: short protein forms L1393I.
Identifiers: ClinVar variation 3368672 (VCV003368672.1).

ClinVar aggregate classification (germline): Uncertain significance (1 of 4 stars; one submission).

Submission:

GeneDx
Classification: Uncertain significance. Last evaluated: 2024-02-01. Review status: criteria provided, single submitter. Criteria: GeneDx Variant Classification Process June 2021. Collection method: clinical testing. Allele origin: germline. Affected: yes.
Comment: Not observed at significant frequency in large population cohorts (gnomAD); In silico analysis supports that this missense variant does not alter protein structure/function; Has not been previously published as pathogenic or benign to our knowledge